The following is an entry in ClinVar:

NM_000203.5(IDUA):c.67dup (p.Val23fs)

Genes: IDUA (alpha-L-iduronidase; plus strand), SLC26A1 (solute carrier family 26 member 1; minus strand). Cytogenetic location: 4p16.3.
Variant type: Duplication.
Coding change: c.67dup on transcript NM_000203.5 (MANE Select); coding-DNA position 67, one base duplicated (G; older notation c.67dupG).
Protein change: p.Val23fs; shifts the reading frame from valine 23.
Molecular consequence: frameshift variant. On other transcripts: non-coding transcript variant (1), intron variant (1).
Genome position (GRCh38, 1-based): chr4:987,151, G duplicated; the last of 2 consecutive G bases (chr4:987,150-987,151); duplicating either gives the same sequence. VCF-style (leftmost placement, unchanged base first): chr4-987149-C-CG. GRCh37 (hg19) VCF-style: chr4-980937-C-CG.
Other names: c.576+3978dup (NM_134425.4); short protein forms V23fs.
Identifiers: ClinVar variation 5011982 (VCV005011982.1).

ClinVar aggregate classification (germline): Pathogenic (1 of 4 stars; one submission).

Conditions:
Mucopolysaccharidosis type 1. Also called: IDUA deficiency; MPS I; Mucopolysaccharidosis Type I. Identifiers: Orphanet 579, MedGen C0023786, MONDO:0001586.

Submission:

Myriad Genetics, Inc.
Classification: Pathogenic for Mucopolysaccharidosis type 1. Last evaluated: 2023-09-27. Review status: criteria provided, single submitter. Criteria: Myriad Autosomal Dominant, Autosomal Recessive and X-Linked Classification Criteria (2023). Collection method: clinical testing. Allele origin: unknown.
Comment: NM_000203.3(IDUA):c.67dupG(V23Gfs*40) is expected to be pathogenic in the context of mucopolysaccharidosis type I. This variant is predicted to lead to an abnormal or absent protein product due to the creation of a premature termination codon in IDUA, a gene where loss-of-function variants are known to be pathogenic. Please note: this variant was assessed in the context of healthy population screening.